The following is an entry in ClinVar:

NM_016247.4(IMPG2):c.3238C>T (p.Arg1080Trp)

Gene: IMPG2 (interphotoreceptor matrix proteoglycan 2; minus strand). Cytogenetic location: 3q12.3.
Variant type: single nucleotide variant.
Coding change: c.3238C>T on transcript NM_016247.4 (MANE Select); coding-DNA position 3238, C replaced by T.
Protein change: p.Arg1080Trp; replaces arginine 1080 with tryptophan.
Molecular consequence: missense variant.
Genome position (GRCh38, 1-based): chr3:101,231,141, G>A on the plus strand (C>T on the coding strand, the complement: IMPG2 is on the minus strand). VCF-style: chr3-101231141-G-A. GRCh37 (hg19) VCF-style: chr3-100949985-G-A.
Other names: short protein forms R1080W.
Identifiers: ClinVar variation 1062559 (VCV001062559.10), dbSNP rs373381142, ClinGen allele CA79711163.
Genomic context (GRCh38, chr3:101,231,141, plus strand): 5'-CGGGCTCAGACACAAATTCCTCACAGTGCTTGCCTCGGTACCACCAGTTCTCACCCACCC[G>A]GCACCTGCAACCAACAGTCACCAAGTCCGATATCTGAATCACTCTGCTCACACTGACAAT-3'
Protein context (NP_057331.2, residues 1070-1090): MPGHGAICRC[Arg1080Trp]VGENWWYRGK

ClinVar aggregate classification (germline): Uncertain significance. Review status: criteria provided, multiple submitters, no conflicts (2 of 4 stars). 2 submissions from 2 submitters: Uncertain significance (2). Last evaluated 2025-02-17.

Allele frequency attached by ClinVar (database versions not stated): gnomAD 0.00001; gnomAD exomes 0.00002; TOPMed 0.00002; ESP Exome Variant Server 0.00008.

Submissions (2):

Labcorp Genetics (formerly Invitae), Labcorp
Classification: Uncertain significance. Last evaluated: 2025-02-17. Review status: criteria provided, single submitter. Criteria: Invitae Variant Classification Sherloc (09022015). Collection method: clinical testing. Allele origin: germline.
Comment: This sequence change replaces arginine, which is basic and polar, with tryptophan, which is neutral and slightly polar, at codon 1080 of the IMPG2 protein (p.Arg1080Trp). This variant is present in population databases (rs373381142, gnomAD 0.006%). This variant has not been reported in the literature in individuals affected with IMPG2-related conditions. ClinVar contains an entry for this variant (Variation ID: 1062559). Invitae Evidence Modeling of protein sequence and biophysical properties (such as structural, functional, and spatial information, amino acid conservation, physicochemical variation, residue mobility, and thermodynamic stability) indicates that this missense variant is expected to disrupt IMPG2 protein function with a positive predictive value of 80%. In summary, the available evidence is currently insufficient to determine the role of this variant in disease. Therefore, it has been classified as a Variant of Uncertain Significance.

Blueprint Genetics
Classification: Uncertain significance. Last evaluated: 2022-09-02. Review status: criteria provided, single submitter. Criteria: ACMG Guidelines, 2015. Collection method: clinical testing. Allele origin: germline.